The following is an entry in ClinVar:

NM_005591.4(MRE11):c.1130G>C (p.Ser377Thr)

Gene: MRE11 (MRE11 double strand break repair nuclease; minus strand). Cytogenetic location: 11q21.
Variant type: single nucleotide variant.
Coding change: c.1130G>C on transcript NM_005591.4 (MANE Select); coding-DNA position 1130, G replaced by C.
Protein change: p.Ser377Thr; replaces serine 377 with threonine.
Molecular consequence: missense variant.
Genome position (GRCh38, 1-based): chr11:94,464,208, C>G on the plus strand (G>C on the coding strand, the complement: MRE11 is on the minus strand). VCF-style: chr11-94464208-C-G. GRCh37 (hg19) VCF-style: chr11-94197374-C-G.
Other names: c.1130G>C, p.Ser377Thr (NM_001330347.2, NM_005590.4); short protein forms S377T.
Identifiers: ClinVar variation 1799664 (VCV001799664.2), dbSNP rs753536984, ClinGen allele CA382372976.
Genomic context (GRCh38, chr11:94,464,208, plus strand): 5'-TGGATAATGTCTTTTGGATTAGCTACCCGATCCACAAATTTCTGGCTAAAGCGAAGAACA[C>G]TGAAAGGTTCAAAACCTCCACTATAGTCCACCTGAAAACACAGAATAATCTATGAACGCT-3'
Protein context (NP_005582.1, residues 367-387): VDYSGGFEPF[Ser377Thr]VLRFSQKFVD

ClinVar aggregate classification (germline): Uncertain significance (1 of 4 stars; one submission).

Conditions:
Hereditary cancer-predisposing syndrome. Also called: Neoplastic Syndromes, Hereditary; Tumor predisposition; Hereditary Cancer Syndrome; Hereditary neoplastic syndrome. Identifiers: Orphanet 140162, MedGen C0027672, MeSH D009386, MONDO:0015356.

Allele frequency attached by ClinVar (database versions not stated): gnomAD 0.00001.
gnomAD v4.1: 2 of 1,613,834 alleles (0.00012%); highest among the groups gnomAD compares: African/African-American, 0.0027%; no homozygotes.

Submission:

Ambry Genetics
Classification: Uncertain significance for Hereditary cancer-predisposing syndrome. Last evaluated: 2022-09-16. Review status: criteria provided, single submitter. Criteria: Ambry Variant Classification Scheme 2023. Collection method: clinical testing. Allele origin: germline.
Comment: The p.S377T variant (also known as c.1130G>C), located in coding exon 10 of the MRE11A gene, results from a G to C substitution at nucleotide position 1130. The serine at codon 377 is replaced by threonine, an amino acid with similar properties. This amino acid position is poorly conserved in available vertebrate species. In addition, this alteration is predicted to be tolerated by in silico analysis. Since supporting evidence is limited at this time, the clinical significance of this alteration remains unclear.